The following is an entry in ClinVar:

NM_003482.4(KMT2D):c.15332A>G (p.Asn5111Ser)

Gene: KMT2D (lysine methyltransferase 2D; minus strand). Cytogenetic location: 12q13.12.
Variant type: single nucleotide variant.
Coding change: c.15332A>G on transcript NM_003482.4 (MANE Select); coding-DNA position 15332, A replaced by G.
Protein change: p.Asn5111Ser; replaces asparagine 5111 with serine.
Molecular consequence: missense variant.
Genome position (GRCh38, 1-based): chr12:49,026,634, T>C on the plus strand (A>G on the coding strand, the complement: KMT2D is on the minus strand). VCF-style: chr12-49026634-T-C. GRCh37 (hg19) VCF-style: chr12-49420417-T-C.
Other names: short protein forms N5111S.
Identifiers: ClinVar variation 1702682 (VCV001702682.6), dbSNP rs943690439, ClinGen allele CA236633811.
Genomic context (GRCh38, chr12:49,026,634, plus strand): 5'-ATGGTCTTGTCCTTGAAGAACATGCACTTGGCACGGATGGCACAAGCAAAATGGTAGACA[T>C]TGGGGCAACGCATGCGATTGCAGCTGCTGGTGGCACCAGTTCGCTGGCACAGGGAGCACT-3'
Protein context (NP_003473.3, residues 5101-5121): TSSCNRMRCP[Asn5111Ser]VYHFACAIRA

ClinVar aggregate classification (germline): Conflicting classifications of pathogenicity. Review status: criteria provided, conflicting classifications (1 of 4 stars). 3 submissions from 3 submitters: Uncertain significance (2); Benign (1). Last evaluated 2024-04-04.

Conditions:
Kabuki syndrome 1 (KABUK1). Also called: KMT2D-Related Kabuki Syndrome. Identifiers: Orphanet 2322, MedGen CN030661, MONDO:0007843, OMIM 147920.
Kabuki syndrome. Also called: Kabuki make-up syndrome; NIIKAWA-KUROKI SYNDROME. Identifiers: Orphanet 2322, MedGen C0796004, MONDO:0016512.

Allele frequency attached by ClinVar (database versions not stated): gnomAD exomes 0.00001.
gnomAD v4.1: 9 of 1,613,972 alleles (0.00056%); highest among the groups gnomAD compares: African/African-American, 0.0013%; no homozygotes.

Submissions (3):

Genomic Medicine Center of Excellence, King Faisal Specialist Hospital and Research Centre
Classification: Uncertain significance for Kabuki syndrome 1. Last evaluated: 2024-04-04. Review status: criteria provided, single submitter. Criteria: ACMG Guidelines, 2015. Collection method: clinical testing. Allele origin: germline.

Labcorp Genetics (formerly Invitae), Labcorp
Classification: Benign for Kabuki syndrome. Last evaluated: 2023-08-08. Review status: criteria provided, single submitter. Criteria: Invitae Variant Classification Sherloc (09022015). Collection method: clinical testing. Allele origin: germline.

GeneDx
Classification: Uncertain significance. Last evaluated: 2022-02-17. Review status: criteria provided, single submitter. Criteria: GeneDx Variant Classification Process June 2021. Collection method: clinical testing. Allele origin: germline. Affected: yes.
Comment: In silico analysis supports that this missense variant has a deleterious effect on protein structure/function; Has not been previously published as pathogenic or benign to our knowledge